The following is an entry in ClinVar:

NM_001010874.5(TECRL):c.369T>G (p.Ser123Arg)

Gene: TECRL (trans-2,3-enoyl-CoA reductase like; minus strand). Cytogenetic location: 4q13.1.
Variant type: single nucleotide variant.
Coding change: c.369T>G on transcript NM_001010874.5 (MANE Select); coding-DNA position 369, T replaced by G.
Protein change: p.Ser123Arg; replaces serine 123 with arginine.
Molecular consequence: missense variant.
Genome position (GRCh38, 1-based): chr4:64,322,755, A>C on the plus strand (T>G on the coding strand, the complement: TECRL is on the minus strand). VCF-style: chr4-64322755-A-C. GRCh37 (hg19) VCF-style: chr4-65188473-A-C.
Other names: c.369T>G, p.Ser123Arg (NM_001363796.1); short protein forms S123R.
Identifiers: ClinVar variation 3325221 (VCV003325221.1).
Genomic context (GRCh38, chr4:64,322,755, plus strand): 5'-CCAACTGACTTGTTGACCTAGGTCTGTAGCATACAGTGTGACAATGGAGGAAGCTGCAAT[A>C]CTTTGAATGGTAATGTAGTCCTTCAAAAAAGGCCCGCCTAAAATAAAAATAACAAGAAAA-3'
Protein context (NP_001010874.2, residues 113-133): PFLKDYITIQ[Ser123Arg]IAASSIVTLY

ClinVar aggregate classification (germline): Uncertain significance (1 of 4 stars; one submission).

Conditions:
Cardiovascular phenotype. Identifiers: MedGen CN230736.

gnomAD v4.1: 2 of 1,612,232 alleles (0.00012%); highest among the groups gnomAD compares: African/African-American, 0.0013%; no homozygotes.

Submission:

Ambry Genetics
Classification: Uncertain significance for Cardiovascular phenotype. Last evaluated: 2024-06-09. Review status: criteria provided, single submitter. Criteria: Ambry Variant Classification Scheme 2023. Collection method: clinical testing. Allele origin: germline.
Comment: The p.S123R variant (also known as c.369T>G), located in coding exon 4 of the TECRL gene, results from a T to G substitution at nucleotide position 369. The serine at codon 123 is replaced by arginine, an amino acid with dissimilar properties. This amino acid position is conserved. In addition, this alteration is predicted to be tolerated by in silico analysis. Based on the available evidence, the clinical significance of this variant remains unclear.